The following is an entry in ClinVar:

NM_004586.3(RPS6KA3):c.1958dup (p.Asp654fs)

Gene: RPS6KA3 (ribosomal protein S6 kinase A3; minus strand). Cytogenetic location: Xp22.12.
Variant type: Duplication.
Coding change: c.1958dup on transcript NM_004586.3 (MANE Select); coding-DNA position 1958, one base duplicated (A; older notation c.1958dupA).
Protein change: p.Asp654fs; shifts the reading frame from aspartic acid 654.
Molecular consequence: frameshift variant.
Genome position (GRCh38, 1-based): chrX:20,161,645, T duplicated on the plus strand (A on the coding strand, the reverse complement: RPS6KA3 is on the minus strand); the first of 3 consecutive T bases (chrX:20,161,645-20,161,647); duplicating any one gives the same sequence. VCF-style (leftmost placement, unchanged base first): chrX-20161644-C-CT. GRCh37 (hg19) VCF-style: chrX-20179762-C-CT.
Other names: c.1874dup, p.Asp626fs (NM_001438340.1); short protein forms D626fs, D654fs.
Identifiers: ClinVar variation 4994821 (VCV004994821.1).

ClinVar aggregate classification (germline): Likely pathogenic (1 of 4 stars; one submission).

Conditions:
RPS6KA3-related disorder. Also called: RPS6KA3-related condition.

Submission:

PreventionGenetics, part of Exact Sciences
Classification: Likely pathogenic for RPS6KA3-related condition. Last evaluated: 2026-07-28. Review status: criteria provided, single submitter. Criteria: ACMG Guidelines, 2015. Collection method: clinical testing. Allele origin: germline.
Comment: The RPS6KA3 c.1958dupA variant is predicted to result in a frameshift and premature protein termination (p.Asp654Glyfs*60). To our knowledge, this variant has not been reported in the literature or in a large population database (gnomAD), indicating this variant is rare. Frameshift variants in RPS6KA3 are expected to be pathogenic. This variant is interpreted as likely pathogenic.